The following is an entry in ClinVar:

NC_000017.10:g.(?_44073755)_(44159918_?)dup

Genes: STH (saitohin), KANSL1 (KAT8 regulatory NSL complex subunit 1), MAPT (microtubule associated protein tau). Cytogenetic location: 17q21.31.
Variant type: Duplication.
Identifiers: ClinVar variation 1010652 (VCV001010652.1).

ClinVar aggregate classification (germline): Uncertain significance (1 of 4 stars; one submission).

Conditions:
Koolen-de Vries syndrome (KDVS). Identifiers: Orphanet 96169, MedGen C1864871, MONDO:0012496, OMIM 610443.

Submission:

Labcorp Genetics (formerly Invitae), Labcorp
Classification: Uncertain significance for Koolen-de Vries syndrome. Last evaluated: 2020-08-29. Review status: criteria provided, single submitter. Criteria: Invitae Variant Classification Sherloc (09022015). Collection method: clinical testing. Allele origin: germline.
Comment: This variant results in a copy number gain of the genomic region encompassing exons 4-15 of the KANSL1 gene. The 5' boundary is likely confined to intron 3. The 3' end of this event is unknown as it extends beyond the assayed region for this gene and therefore may encompass additional genes. As the precise location of this event is unknown, it may be in tandem or it may be located elsewhere in the genome. This variant has not been reported in the literature in individuals with KANSL1-related conditions. Experimental studies and prediction algorithms are not available or were not evaluated, and the functional significance of this variant is currently unknown. In summary, the available evidence is currently insufficient to determine the role of this variant in disease. Therefore, it has been classified as a Variant of Uncertain Significance.